The following is an entry in ClinVar:

NM_018671.5(UNC45A):c.1439C>G (p.Ser480Trp)

Gene: UNC45A (unc-45 myosin chaperone A; plus strand). Cytogenetic location: 15q26.1.
Variant type: single nucleotide variant.
Coding change: c.1439C>G on transcript NM_018671.5 (MANE Select); coding-DNA position 1439, C replaced by G.
Protein change: p.Ser480Trp; replaces serine 480 with tryptophan.
Molecular consequence: missense variant.
Genome position (GRCh38, 1-based): chr15:90,946,853, C>G. VCF-style: chr15-90946853-C-G. GRCh37 (hg19) VCF-style: chr15-91490083-C-G.
Other names: c.1394C>G, p.Ser465Trp (NM_001039675.2, NM_001323621.2); c.1439C>G, p.Ser480Trp (NM_001323619.1); c.1004C>G, p.Ser335Trp (NM_001323620.2); short protein forms S335W, S465W, S480W.
Identifiers: ClinVar variation 1975178 (VCV001975178.5), dbSNP rs376093795, ClinGen allele CA7742902.

ClinVar aggregate classification (germline): Uncertain significance (1 of 4 stars; one submission).

gnomAD v4.1: 5 of 1,612,524 alleles (0.00031%); highest among the groups gnomAD compares: Admixed American, 0.0083%; no homozygotes.

Submission:

Labcorp Genetics (formerly Invitae), Labcorp
Classification: Uncertain significance. Last evaluated: 2023-08-04. Review status: criteria provided, single submitter. Criteria: Invitae Variant Classification Sherloc (09022015). Collection method: clinical testing. Allele origin: germline.
Comment: In summary, the available evidence is currently insufficient to determine the role of this variant in disease. Therefore, it has been classified as a Variant of Uncertain Significance. Advanced modeling of protein sequence and biophysical properties (such as structural, functional, and spatial information, amino acid conservation, physicochemical variation, residue mobility, and thermodynamic stability) performed at Invitae indicates that this missense variant is expected to disrupt UNC45A protein function. ClinVar contains an entry for this variant (Variation ID: 1975178). This variant has not been reported in the literature in individuals affected with UNC45A-related conditions. This variant is present in population databases (rs376093795, gnomAD 0.009%). This sequence change replaces serine, which is neutral and polar, with tryptophan, which is neutral and slightly polar, at codon 480 of the UNC45A protein (p.Ser480Trp).